The following is an entry in ClinVar:

NM_001004051.4(GPRASP2):c.*10C>A

Genes: ARMCX5-GPRASP2 (ARMCX5-GPRASP2 readthrough; plus strand), GPRASP2 (G protein-coupled receptor associated sorting protein 2; plus strand). Cytogenetic location: Xq22.1.
Variant type: single nucleotide variant.
Coding change: c.*10C>A on transcript NM_001004051.4 (MANE Select); 10 bases downstream of the stop codon, C replaced by A.
Molecular consequence: 3 prime UTR variant. On other transcripts: intron variant (3).
Genome position (GRCh38, 1-based): chrX:102,717,396, C>A. VCF-style: chrX-102717396-C-A. GRCh37 (hg19) VCF-style: chrX-101972324-C-A.
Other names: c.*10C>A (NM_001199818.1, NM_001184874.3, NM_001184875.3 and 2 more transcripts); c.-820+3130C>A (NM_001350268.2); c.-752+3130C>A (NM_001350269.2); c.-721+3130C>A (NM_001350270.1).
Identifiers: ClinVar variation 3054389 (VCV003054389.2), dbSNP rs2081980861, ClinGen allele CA2740092252.

ClinVar aggregate classification (germline): Likely benign (0 of 4 stars; one submission).

Conditions:
GPRASP2-related disorder. Also called: GPRASP2-related condition.

Submission:

PreventionGenetics, part of Exact Sciences
Classification: Likely benign for GPRASP2-related condition. Last evaluated: 2020-05-11. Review status: no assertion criteria provided. Collection method: clinical testing. Allele origin: germline.
Comment: This variant is classified as likely benign based on ACMG/AMP sequence variant interpretation guidelines (Richards et al. 2015 PMID: 25741868, with internal and published modifications).